The following is an entry in ClinVar:

NM_001283009.2(RTEL1):c.544dup (p.Ser182fs)

Genes: RTEL1 (regulator of telomere elongation helicase 1; plus strand), RTEL1-TNFRSF6B (RTEL1-TNFRSF6B readthrough (NMD candidate); plus strand). Cytogenetic location: 20q13.33.
Variant type: Duplication.
Coding change: c.544dup on transcript NM_001283009.2 (MANE Select); coding-DNA position 544, one base duplicated (A; older notation c.544dupA).
Protein change: p.Ser182fs; shifts the reading frame from serine 182.
Molecular consequence: frameshift variant. On other transcripts: non-coding transcript variant (1), 5 prime UTR variant (1).
Genome position (GRCh38, 1-based): chr20:63,666,009, A duplicated; the last of 6 consecutive A bases (chr20:63,666,004-63,666,009); duplicating any one gives the same sequence. VCF-style (leftmost placement, unchanged base first): chr20-63666003-G-GA. GRCh37 (hg19) VCF-style: chr20-62297356-G-GA.
Other names: c.-126dup (NM_001283010.1); c.544dup, p.Ser182fs (NM_016434.4); c.616dup, p.Ser206fs (NM_032957.5); short protein forms S182fs, S206fs.
Identifiers: ClinVar variation 4816358 (VCV004816358.1).

ClinVar aggregate classification (germline): Likely pathogenic (1 of 4 stars; one submission).

Conditions:
Dyskeratosis congenita. Identifiers: Orphanet 1775, MedGen C0265965, MONDO:0015780.

Submission:

Natera, Inc.
Classification: Likely pathogenic for Dyskeratosis congenita. Last evaluated: 2025-12-23. Review status: criteria provided, single submitter. Criteria: Natera Variant Classification Schema (03/2026). Collection method: clinical testing. Allele origin: germline.
Comment: The c.616dup variant in RTEL1 is a frameshift variant predicted to shift the reading frame beginning at codon 206 and leads to a stop codon 14 codons downstream. This variant is expected to result in nonsense mediated decay, truncation, or a dysfunctional protein product. This variant is rare in the general population with a frequency below the threshold expected for the associated phenotype(s). Given the available evidence, this variant is classified as Likely Pathogenic.